The following is an entry in ClinVar:

NM_173628.4(DNAH17):c.1122C>T (p.Ser374=)

Gene: DNAH17 (dynein axonemal heavy chain 17; minus strand). Cytogenetic location: 17q25.3.
Variant type: single nucleotide variant.
Coding change: c.1122C>T on transcript NM_173628.4 (MANE Select); coding-DNA position 1122, C replaced by T.
Protein change: p.Ser374=; no amino-acid change (serine 374 retained).
Molecular consequence: synonymous variant.
Genome position (GRCh38, 1-based): chr17:78,569,450, G>A on the plus strand (C>T on the coding strand, the complement: DNAH17 is on the minus strand). VCF-style: chr17-78569450-G-A. GRCh37 (hg19) VCF-style: chr17-76565532-G-A.
Identifiers: ClinVar variation 4534638 (VCV004534638.7).

ClinVar aggregate classification (germline): Likely benign. Review status: criteria provided, multiple submitters, no conflicts (2 of 4 stars). 2 submissions from 2 submitters: Likely benign (2). Last evaluated 2025-11-01.

gnomAD v4.1: 15 of 1,612,270 alleles (0.00093%); highest among the groups gnomAD compares: African/African-American, 0.0013%; no homozygotes.

Submissions (2):

CeGaT Center for Human Genetics Tuebingen
Classification: Likely benign. Last evaluated: 2025-11-01. Review status: criteria provided, single submitter. Criteria: CeGaT Center For Human Genetics Tuebingen Variant Classification Criteria Version 2. Collection method: clinical testing. Allele origin: germline. Affected: yes. Observed: 1 variant allele.
Comment: DNAH17: BP4, BP7

Blueprint Genetics
Classification: Likely benign. Last evaluated: 2024-09-13. Review status: criteria provided, single submitter. Criteria: ACMG Guidelines, 2015. Collection method: clinical testing. Allele origin: germline.